The following is an entry in ClinVar:

ClinVar aggregate classification (germline): Uncertain significance (1 of 4 stars; one submission).

Conditions:
Intellectual developmental disorder, autosomal dominant 6, with or without seizures. Also called: Intellectual disability, autosomal dominant 6; GRIN2B-related developmental delay, intellectual disability and autism spectrum disorder. Identifiers: Orphanet 589547, MedGen C3151411, MONDO:0013509, OMIM 613970.
Developmental and epileptic encephalopathy, 27 (DEE27). Also called: Epileptic encephalopathy, early infantile, 27; GRIN2B-Related Neurodevelopmental Disorder. Identifiers: Orphanet 3451, MedGen C4015316, MONDO:0014505, OMIM 616139.

Allele frequency attached by ClinVar (database versions not stated): ExAC 0.00001; gnomAD exomes below 0.00001 and 0.00001; gnomAD 0.00001.
gnomAD v4.1: 6 of 1,613,928 alleles (0.00037%); highest among the groups gnomAD compares: Admixed American, 0.0067%; no homozygotes.

Submission:

Labcorp Genetics (formerly Invitae), Labcorp
Classification: Uncertain significance for Developmental and epileptic encephalopathy, 27; Intellectual developmental disorder, autosomal dominant 6, with or without seizures. Last evaluated: 2025-03-19. Review status: criteria provided, single submitter. Criteria: Invitae Variant Classification Sherloc (09022015). Collection method: clinical testing. Allele origin: germline.
Comment: This sequence change replaces serine, which is neutral and polar, with glycine, which is neutral and non-polar, at codon 1159 of the GRIN2B protein (p.Ser1159Gly). This variant is present in population databases (rs762050994, gnomAD 0.009%). This variant has not been reported in the literature in individuals affected with GRIN2B-related conditions. ClinVar contains an entry for this variant (Variation ID: 1521602). Invitae Evidence Modeling of protein sequence and biophysical properties (such as structural, functional, and spatial information, amino acid conservation, physicochemical variation, residue mobility, and thermodynamic stability) indicates that this missense variant is not expected to disrupt GRIN2B protein function with a negative predictive value of 95%. In summary, the available evidence is currently insufficient to determine the role of this variant in disease. Therefore, it has been classified as a Variant of Uncertain Significance.

NM_000834.5(GRIN2B):c.3475A>G (p.Ser1159Gly)

Gene: GRIN2B (glutamate ionotropic receptor NMDA type subunit 2B; minus strand). Cytogenetic location: 12p13.1.
Variant type: single nucleotide variant.
Coding change: c.3475A>G on transcript NM_000834.5 (MANE Select); coding-DNA position 3475, A replaced by G.
Protein change: p.Ser1159Gly; replaces serine 1159 with glycine.
Molecular consequence: missense variant.
Genome position (GRCh38, 1-based): chr12:13,563,763, T>C on the plus strand (A>G on the coding strand, the complement: GRIN2B is on the minus strand). VCF-style: chr12-13563763-T-C. GRCh37 (hg19) VCF-style: chr12-13716697-T-C.
Other names: short protein forms S1159G.
Identifiers: ClinVar variation 1521602 (VCV001521602.6), dbSNP rs762050994, ClinGen allele CA6460895.